The following is an entry in ClinVar:

NM_000153.4(GALC):c.472G>C (p.Gly158Arg)

Gene: GALC (galactosylceramidase; minus strand). Cytogenetic location: 14q31.3.
Variant type: single nucleotide variant.
Coding change: c.472G>C on transcript NM_000153.4 (MANE Select); coding-DNA position 472, G replaced by C.
Protein change: p.Gly158Arg; replaces glycine 158 with arginine.
Molecular consequence: missense variant. On other transcripts: 5 prime UTR variant (2), non-coding transcript variant (1).
Genome position (GRCh38, 1-based): chr14:87,984,504, C>G on the plus strand (G>C on the coding strand, the complement: GALC is on the minus strand). VCF-style: chr14-87984504-C-G. GRCh37 (hg19) VCF-style: chr14-88450848-C-G.
Other names: c.403G>C, p.Gly135Arg (NM_001201401.2); c.394G>C, p.Gly132Arg (NM_001201402.2); c.304G>C, p.Gly102Arg (NM_001424071.1, NM_001424072.1, NM_001424073.1); c.124G>C, p.Gly42Arg (NM_001424074.1, NM_001424075.1); c.-196G>C (NM_001424076.1, NM_001424077.1); short protein forms G102R, G132R, G135R, G158R, G42R.
Identifiers: ClinVar variation 5019616 (VCV005019616.1).

ClinVar aggregate classification (germline): Likely pathogenic (1 of 4 stars; one submission).

Conditions:
Galactosylceramide beta-galactosidase deficiency. Also called: Krabbe Disease; Leukodystrophy, Globoid Cell; GALACTOCEREBROSIDASE DEFICIENCY; GALC DEFICIENCY; GLOBOID CELL LEUKOENCEPHALOPATHY. Identifiers: Orphanet 487, MedGen C0023521, MONDO:0009499, OMIM 245200.

Submission:

Juno Genomics, Hangzhou Juno Genomics, Inc
Classification: Likely pathogenic for Galactosylceramide beta-galactosidase deficiency. Review status: criteria provided, single submitter. Criteria: ACMG Guidelines, 2015. Collection method: clinical testing. Allele origin: germline. Affected: yes.
Comment: Absent from controls (or at extremely low frequency if recessive) in Genome Aggregation Database.;Multiple lines of computational evidence support a deleterious effect on the gene or gene product.;For recessive disorders, detected in trans with a pathogenic variant.;Patient's phenotype or family history is highly specific for a disease with a single genetic etiology.